The following is an entry in ClinVar:

ClinVar aggregate classification (germline): Uncertain significance (1 of 4 stars; one submission).

Submission:

GeneDx
Classification: Uncertain significance. Last evaluated: 2022-11-15. Review status: criteria provided, single submitter. Criteria: GeneDx Variant Classification Process June 2021. Collection method: clinical testing. Allele origin: germline. Affected: yes.
Comment: Not observed at significant frequency in large population cohorts (gnomAD); In silico analysis supports that this missense variant does not alter protein structure/function; Has not been previously published as pathogenic or benign to our knowledge

NM_004733.4(SLC33A1):c.776A>C (p.Asp259Ala)

Gene: SLC33A1 (solute carrier family 33 member 1; minus strand). Cytogenetic location: 3q25.31.
Variant type: single nucleotide variant.
Coding change: c.776A>C on transcript NM_004733.4 (MANE Select); coding-DNA position 776, A replaced by C.
Protein change: p.Asp259Ala; replaces aspartic acid 259 with alanine.
Molecular consequence: missense variant. On other transcripts: intron variant (1).
Genome position (GRCh38, 1-based): chr3:155,842,619, T>G on the plus strand (A>C on the coding strand, the complement: SLC33A1 is on the minus strand). VCF-style: chr3-155842619-T-G. GRCh37 (hg19) VCF-style: chr3-155560408-T-G.
Other names: c.776A>C, p.Asp259Ala (NM_001190992.2); c.776-8578A>C (NM_001363883.1); short protein forms D259A.
Identifiers: ClinVar variation 2502110 (VCV002502110.1), dbSNP rs2472983481, ClinGen allele CA355141975.